The following is an entry in ClinVar:

ClinVar aggregate classification (germline): Uncertain significance (0 of 4 stars; one submission).

Conditions:
PCNT-related disorder. Also called: PCNT-related condition.

gnomAD v4.1: 1 of 1,606,296 alleles (0.000062%); highest among the groups gnomAD compares: African/African-American, 0.0013%; no homozygotes.

Submission:

PreventionGenetics, part of Exact Sciences
Classification: Uncertain significance for PCNT-related condition. Last evaluated: 2023-10-27. Review status: no assertion criteria provided. Collection method: clinical testing. Allele origin: germline.
Comment: The PCNT c.5927C>T variant is predicted to result in the amino acid substitution p.Ala1976Val. To our knowledge, this variant has not been reported in the literature or in a large population database, indicating this variant is rare. At this time, the clinical significance of this variant is uncertain due to the absence of conclusive functional and genetic evidence.

NM_006031.6(PCNT):c.5927C>T (p.Ala1976Val)

Gene: PCNT (pericentrin; plus strand). Cytogenetic location: 21q22.3.
Variant type: single nucleotide variant.
Coding change: c.5927C>T on transcript NM_006031.6 (MANE Select); coding-DNA position 5927, C replaced by T.
Protein change: p.Ala1976Val; replaces alanine 1976 with valine.
Molecular consequence: missense variant.
Genome position (GRCh38, 1-based): chr21:46,412,000, C>T. VCF-style: chr21-46412000-C-T. GRCh37 (hg19) VCF-style: chr21-47831914-C-T.
Other names: c.5573C>T, p.Ala1858Val (NM_001315529.2); short protein forms A1858V, A1976V.
Identifiers: ClinVar variation 3350232 (VCV003350232.1).
Genomic context (GRCh38, chr21:46,412,000, plus strand): 5'-CAGCTCACACACGGGTGCCCGGGGCCCACCCACAGCCTCGCATGGATGGTGGCGCCAAGG[C>T]CCAGGTCACCGGCGACGTGGAGGCCTCCCATGATGCTGCTTTGGAGCCGGTTGTCCCTGA-3'
Protein context (NP_006022.3, residues 1966-1986): PQPRMDGGAK[Ala1976Val]QVTGDVEASH